The following is an entry in ClinVar:

NM_177438.3(DICER1):c.2485A>G (p.Ile829Val)

Gene: DICER1 (dicer 1, ribonuclease III; minus strand). Cytogenetic location: 14q32.13.
Variant type: single nucleotide variant.
Coding change: c.2485A>G on transcript NM_177438.3 (MANE Select); coding-DNA position 2485, A replaced by G.
Protein change: p.Ile829Val; replaces isoleucine 829 with valine.
Molecular consequence: missense variant.
Genome position (GRCh38, 1-based): chr14:95,108,045, T>C on the plus strand (A>G on the coding strand, the complement: DICER1 is on the minus strand). VCF-style: chr14-95108045-T-C. GRCh37 (hg19) VCF-style: chr14-95574382-T-C.
Other names: c.2485A>G, p.Ile829Val (NM_001195573.1, NM_001271282.3, NM_001291628.2 and 1 more transcripts); short protein forms I829V.
Identifiers: ClinVar variation 543560 (VCV000543560.14), dbSNP rs1038939677, ClinGen allele CA265909472.

ClinVar aggregate classification (germline): Uncertain significance. Review status: criteria provided, multiple submitters, no conflicts (2 of 4 stars). 3 submissions from 3 submitters: Uncertain significance (3). Last evaluated 2025-09-02.

Conditions:
DICER1-related tumor predisposition. Also called: DICER1-related pleuropulmonary blastoma cancer predisposition syndrome; DICER1 syndrome. Identifiers: Orphanet 284343, MedGen C3839822, MONDO:0100216.
Hereditary cancer-predisposing syndrome. Also called: Neoplastic Syndromes, Hereditary; Tumor predisposition; Hereditary Cancer Syndrome; Hereditary neoplastic syndrome. Identifiers: Orphanet 140162, MedGen C0027672, MeSH D009386, MONDO:0015356.

Allele frequency attached by ClinVar (database versions not stated): gnomAD exomes below 0.00001; gnomAD 0.00001; TOPMed 0.00001.
gnomAD v4.1: 2 of 1,613,920 alleles (0.00012%); highest among the groups gnomAD compares: African/African-American, 0.0013%; no homozygotes.

Submissions (3):

Ambry Genetics
Classification: Uncertain significance for Hereditary cancer-predisposing syndrome. Last evaluated: 2025-09-02. Review status: criteria provided, single submitter. Criteria: Ambry Variant Classification Scheme 2023. Collection method: clinical testing. Allele origin: germline.
Comment: The p.I829V variant (also known as c.2485A>G), located in coding exon 15 of the DICER1 gene, results from an A to G substitution at nucleotide position 2485. The isoleucine at codon 829 is replaced by valine, an amino acid with highly similar properties. This amino acid position is conserved. In addition, the in silico prediction for this alteration is inconclusive. Since supporting evidence is limited at this time, the clinical significance of this alteration remains unclear.

Labcorp Genetics (formerly Invitae), Labcorp
Classification: Uncertain significance for DICER1-related tumor predisposition. Last evaluated: 2025-07-30. Review status: criteria provided, single submitter. Criteria: Invitae Variant Classification Sherloc (09022015). Collection method: clinical testing. Allele origin: germline.
Comment: This sequence change replaces isoleucine, which is neutral and non-polar, with valine, which is neutral and non-polar, at codon 829 of the DICER1 protein (p.Ile829Val). This variant is not present in population databases (gnomAD no frequency). This variant has not been reported in the literature in individuals affected with DICER1-related conditions. ClinVar contains an entry for this variant (Variation ID: 543560). Invitae Evidence Modeling of protein sequence and biophysical properties (such as structural, functional, and spatial information, amino acid conservation, physicochemical variation, residue mobility, and thermodynamic stability) indicates that this missense variant is not expected to disrupt DICER1 protein function with a negative predictive value of 95%. In summary, the available evidence is currently insufficient to determine the role of this variant in disease. Therefore, it has been classified as a Variant of Uncertain Significance.

GeneDx
Classification: Uncertain significance. Last evaluated: 2024-09-10. Review status: criteria provided, single submitter. Criteria: GeneDx Variant Classification Process June 2021. Collection method: clinical testing. Allele origin: germline. Affected: yes.
Comment: Not observed at significant frequency in large population cohorts (gnomAD); In silico analysis indicates that this missense variant does not alter protein structure/function; Has not been previously published as pathogenic or benign to our knowledge